The following is an entry in ClinVar:

NM_020911.2(PLXNA4):c.4087G>T (p.Val1363Leu)

Gene: PLXNA4 (plexin A4; minus strand). Cytogenetic location: 7q32.3.
Variant type: single nucleotide variant.
Coding change: c.4087G>T on transcript NM_020911.2 (MANE Select); coding-DNA position 4087, G replaced by T.
Protein change: p.Val1363Leu; replaces valine 1363 with leucine.
Molecular consequence: missense variant.
Genome position (GRCh38, 1-based): chr7:132,168,503, C>A on the plus strand (G>T on the coding strand, the complement: PLXNA4 is on the minus strand). VCF-style: chr7-132168503-C-A. GRCh37 (hg19) VCF-style: chr7-131853262-C-A.
Other names: c.4087G>T, p.Val1363Leu (NM_001393897.1); short protein forms V1363L.
Identifiers: ClinVar variation 5001531 (VCV005001531.1).

ClinVar aggregate classification (germline): Uncertain significance (1 of 4 stars; one submission).

Conditions:
PLXNA4-related disorder. Also called: PLXNA4-related condition.

gnomAD v4.1: 23 of 1,613,376 alleles (0.0014%); highest among the groups gnomAD compares: Non-Finnish European, 0.0018%; no homozygotes.

Submission:

PreventionGenetics, part of Exact Sciences
Classification: Uncertain significance for PLXNA4-related condition. Last evaluated: 2026-03-31. Review status: criteria provided, single submitter. Criteria: ACMG Guidelines, 2015. Collection method: clinical testing. Allele origin: germline.
Comment: The PLXNA4 c.4087G>T variant is predicted to result in the amino acid substitution p.Val1363Leu. To our knowledge, this variant has not been reported in the literature. This variant is reported in 0.0039% of alleles in individuals of European (Non-Finnish) descent in gnomAD. At this time, the clinical significance of this variant is uncertain due to the absence of conclusive functional and genetic evidence.